The following is an entry in ClinVar:

ClinVar aggregate classification (germline): Uncertain significance (1 of 4 stars; one submission).

Allele frequency attached by ClinVar (database versions not stated): gnomAD 0.00001; TOPMed 0.00001.
gnomAD v4.1: 1 of 1,613,818 alleles (0.000062%); highest among the groups gnomAD compares: East Asian, 0.0022%; no homozygotes.

Submission:

Women's Health and Genetics/Laboratory Corporation of America, LabCorp
Classification: Uncertain significance. Last evaluated: 2024-02-07. Review status: criteria provided, single submitter. Criteria: LabCorp Variant Classification Summary - May 2015. Collection method: clinical testing. Allele origin: germline.
Comment: Variant summary: USH2A c.7044G>T (p.Arg2348Ser) results in a non-conservative amino acid change located in the fibronectin type III domain (IPR003961) of the encoded protein sequence. Three of five in-silico tools predict a benign effect of the variant on protein function. The variant was absent in 251296 control chromosomes (gnomAD). The available data on variant occurrences in the general population are insufficient to allow any conclusion about variant significance. To our knowledge, no occurrence of c.7044G>T in individuals affected with Usher Syndrome and no experimental evidence demonstrating its impact on protein function have been reported. No submitters have cited clinical-significance assessments for this variant to ClinVar. Based on the evidence outlined above, the variant was classified as uncertain significance.

NM_206933.4(USH2A):c.7044G>T (p.Arg2348Ser)

Gene: USH2A (usherin; minus strand). Cytogenetic location: 1q41.
Variant type: single nucleotide variant.
Coding change: c.7044G>T on transcript NM_206933.4 (MANE Select); coding-DNA position 7044, G replaced by T.
Protein change: p.Arg2348Ser; replaces arginine 2348 with serine.
Molecular consequence: missense variant.
Genome position (GRCh38, 1-based): chr1:215,965,393, C>A on the plus strand (G>T on the coding strand, the complement: USH2A is on the minus strand). VCF-style: chr1-215965393-C-A. GRCh37 (hg19) VCF-style: chr1-216138735-C-A.
Other names: short protein forms R2348S.
Identifiers: ClinVar variation 3068844 (VCV003068844.2), dbSNP rs1376739699, ClinGen allele CA344852183.